The following is an entry in ClinVar:

ClinVar aggregate classification (germline): Uncertain significance (1 of 4 stars; one submission).

Conditions:
Hypertrophic cardiomyopathy. Also called: HYPERTROPHIC MYOCARDIOPATHY. Identifiers: Orphanet 217569, MedGen C0007194, MeSH D002312, MONDO:0005045, HP:0001639.

gnomAD v4.1: 2 of 1,614,018 alleles (0.00012%); highest among the groups gnomAD compares: South Asian, 0.0022%; no homozygotes.

Submission:

All of Us Research Program, National Institutes of Health
Classification: Uncertain significance for Hypertrophic cardiomyopathy. Last evaluated: 2024-07-20. Review status: criteria provided, single submitter. Criteria: ACMG Guidelines, 2015. Collection method: clinical testing. Allele origin: germline. Inheritance: Autosomal dominant inheritance. Observed: 1 variant allele, 1 heterozygote.
Comment: This missense variant replaces glutamic acid with aspartic acid at codon 746 of the MYBPC3 protein. Computational prediction tools indicate that this variant has a neutral impact on protein structure and function. To our knowledge, functional studies have not been reported for this variant. This variant has not been reported in individuals affected with MYBPC3-related disorders in the literature. This variant has not been identified in the general population by the Genome Aggregation Database (gnomAD). The available evidence is insufficient to determine the role of this variant in disease conclusively. Therefore, this variant is classified as a Variant of Uncertain Significance.

This study involves interpretation of variants in research participants for the purpose of population health screening. Participant phenotype was not available at the time of variant classification. Additional details can be found in publication PMID: 35346344, PMCID: PMC8962531

NM_000256.3(MYBPC3):c.2238G>C (p.Glu746Asp)

Gene: MYBPC3 (myosin binding protein C3; minus strand). Cytogenetic location: 11p11.2.
Variant type: single nucleotide variant.
Coding change: c.2238G>C on transcript NM_000256.3 (MANE Select); coding-DNA position 2238, G replaced by C.
Protein change: p.Glu746Asp; replaces glutamic acid 746 with aspartic acid.
Molecular consequence: missense variant.
Genome position (GRCh38, 1-based): chr11:47,338,590, C>G on the plus strand (G>C on the coding strand, the complement: MYBPC3 is on the minus strand). VCF-style: chr11-47338590-C-G. GRCh37 (hg19) VCF-style: chr11-47360141-C-G.
Other names: short protein forms E746D.
Identifiers: ClinVar variation 3387116 (VCV003387116.1).